The following is an entry in ClinVar:

NM_001987.5(ETV6):c.463+5558_463+5571del

Gene: ETV6 (ETS variant transcription factor 6; plus strand). Cytogenetic location: 12p13.2.
Variant type: Deletion.
Coding change: c.463+5558_463+5571del on transcript NM_001987.5 (MANE Select); bases 5558 to 5571 of the intron after coding-DNA position 463, 14 bases deleted (GTTTTTTTTTTTTT).
Molecular consequence: intron variant.
Genome position (GRCh38, 1-based): chr12:11,859,119-11,859,132, GTTTTTTTTTTTTT deleted. VCF-style (leftmost placement, unchanged base first): chr12-11859118-GGTTTTTTTTTTTTT-G. GRCh37 (hg19) VCF-style: chr12-12012052-GGTTTTTTTTTTTTT-G.
Other names: c.436+5558_436+5571del (NM_001413914.1); c.463+5558_463+5571del (NM_001413917.1, NM_001413916.1); c.460+5558_460+5571del (NM_001413913.1); c.199+5558_199+5571del (NM_001413915.1).
Identifiers: ClinVar variation 2642725 (VCV002642725.24), dbSNP rs1199846626, ClinGen allele CA684245744.

ClinVar aggregate classification (germline): Likely benign (1 of 4 stars; one submission).

Allele frequency attached by ClinVar (database versions not stated): gnomAD 0.00374.

Submission:

CeGaT Center for Human Genetics Tuebingen
Classification: Likely benign. Last evaluated: 2026-08-01. Review status: criteria provided, single submitter. Criteria: CeGaT Center For Human Genetics Tuebingen Variant Classification Criteria Version 2. Collection method: clinical testing. Allele origin: germline. Affected: yes. Observed: 9 variant alleles.
Comment: ETV6: BS2